The following is an entry in ClinVar:

NM_015631.6(TCTN3):c.265A>T (p.Ile89Phe)

Gene: TCTN3 (tectonic family member 3; minus strand). Cytogenetic location: 10q24.1.
Variant type: single nucleotide variant.
Coding change: c.265A>T on transcript NM_015631.6 (MANE Select); coding-DNA position 265, A replaced by T.
Protein change: p.Ile89Phe; replaces isoleucine 89 with phenylalanine.
Molecular consequence: missense variant.
Genome position (GRCh38, 1-based): chr10:95,693,468, T>A on the plus strand (A>T on the coding strand, the complement: TCTN3 is on the minus strand). VCF-style: chr10-95693468-T-A. GRCh37 (hg19) VCF-style: chr10-97453225-T-A.
Other names: c.319A>T, p.Ile107Phe (NM_001013840.1); c.265A>T, p.Ile89Phe (NM_001143973.2, NM_001410982.1); c.265A>T (NM_015631.5); short protein forms I107F, I89F.
Identifiers: ClinVar variation 1969266 (VCV001969266.6), dbSNP rs1263060396, ClinGen allele CA377712977.

ClinVar aggregate classification (germline): Uncertain significance. Review status: criteria provided, multiple submitters, no conflicts (2 of 4 stars). 2 submissions from 2 submitters: Uncertain significance (2). Last evaluated 2025-09-26.

Conditions:
Joubert syndrome 18 (JBTS18). Identifiers: Orphanet 2754, MedGen C3553758, MONDO:0013896, OMIM 614815.
Orofacial-digital syndrome IV (OFD4). Also called: Orofaciodigital syndrome IV; BARAITSER-BURN SYNDROME; OFD SYNDROME WITH TIBIAL DEFECTS; OFD SYNDROME, BARAITSER-BURN TYPE; OFDS IV; ORAL-FACIAL-DIGITAL SYNDROME, TYPE IV. Identifiers: Orphanet 2753, MedGen C0406727, MONDO:0009794, OMIM 258860.
Inborn genetic diseases. Identifiers: MedGen C0950123, MeSH D030342.

Allele frequency attached by ClinVar (database versions not stated): TOPMed below 0.00001; gnomAD exomes 0.00001.
gnomAD v4.1: 7 of 1,552,112 alleles (0.00045%); highest among the groups gnomAD compares: Admixed American, 0.002%; no homozygotes.

Submissions (2):

Ambry Genetics
Classification: Uncertain significance for Inborn genetic diseases. Last evaluated: 2025-09-26. Review status: criteria provided, single submitter. Criteria: Ambry Variant Classification Scheme 2023. Collection method: clinical testing. Allele origin: germline.

Labcorp Genetics (formerly Invitae), Labcorp
Classification: Uncertain significance for Joubert syndrome 18; Orofacial-digital syndrome IV. Last evaluated: 2022-10-24. Review status: criteria provided, single submitter. Criteria: Invitae Variant Classification Sherloc (09022015). Collection method: clinical testing. Allele origin: germline.
Comment: In summary, the available evidence is currently insufficient to determine the role of this variant in disease. Therefore, it has been classified as a Variant of Uncertain Significance. Advanced modeling of protein sequence and biophysical properties (such as structural, functional, and spatial information, amino acid conservation, physicochemical variation, residue mobility, and thermodynamic stability) performed at Invitae indicates that this missense variant is not expected to disrupt TCTN3 protein function. This variant has not been reported in the literature in individuals affected with TCTN3-related conditions. This variant is present in population databases (no rsID available, gnomAD 0.004%). This sequence change replaces isoleucine, which is neutral and non-polar, with phenylalanine, which is neutral and non-polar, at codon 89 of the TCTN3 protein (p.Ile89Phe).